The following is an entry in ClinVar:

NM_002465.4(MYBPC1):c.3106G>A (p.Asp1036Asn)

Gene: MYBPC1 (myosin binding protein C1; plus strand). Cytogenetic location: 12q23.2.
Variant type: single nucleotide variant.
Coding change: c.3106G>A on transcript NM_002465.4 (MANE Select); coding-DNA position 3106, G replaced by A.
Protein change: p.Asp1036Asn; replaces aspartic acid 1036 with asparagine.
Molecular consequence: missense variant.
Genome position (GRCh38, 1-based): chr12:101,677,391, G>A. VCF-style: chr12-101677391-G-A. GRCh37 (hg19) VCF-style: chr12-102071169-G-A.
Other names: c.3085G>A, p.Asp1029Asn (NM_001254718.3, NM_206820.4); c.3031G>A, p.Asp1011Asn (NM_001254719.3, NM_206821.4); c.2995G>A, p.Asp999Asn (NM_001254720.3); c.2974G>A, p.Asp992Asn (NM_001254721.3, NM_001404676.1, NM_001404678.1); c.2953G>A, p.Asp985Asn (NM_001254722.3, NM_001404680.1); c.2992G>A, p.Asp998Asn (NM_001254723.3); c.3106G>A, p.Asp1036Asn (NM_001404675.1, NM_206819.4); c.2896G>A, p.Asp966Asn (NM_001404677.1, NM_001404679.1, NM_001404681.1); short protein forms D1011N, D1029N, D1036N, D966N, D985N, D992N, D998N, D999N.
Identifiers: ClinVar variation 4874024 (VCV004874024.2).
Genomic context (GRCh38, chr12:101,677,391, plus strand): 5'-AACATGTGTGGCCTCAGTGAGGATGCCACCATGACTAAAGAGAGTGCAGTGATCGCCAGG[G>A]ATGGTGAGTTGGGAATGGACTGACATTTGAAAACCTTGGTTGACAGTGACCAGACAGAGA-3'
Protein context (NP_002456.2, residues 1026-1046): MTKESAVIAR[Asp1036Asn]GKIYKNPVYE

ClinVar aggregate classification (germline): Uncertain significance (1 of 4 stars; one submission).

gnomAD v4.1: 4 of 1,613,964 alleles (0.00025%); highest among the groups gnomAD compares: Non-Finnish European, 0.00034%; no homozygotes.

Submission:

CeGaT Center for Human Genetics Tuebingen
Classification: Uncertain significance. Last evaluated: 2026-05-01. Review status: criteria provided, single submitter. Criteria: CeGaT Center For Human Genetics Tuebingen Variant Classification Criteria Version 2. Collection method: clinical testing. Allele origin: germline. Affected: yes. Observed: 1 variant allele.
Comment: MYBPC1: PM2